The following is an entry in ClinVar:

NM_001814.6(CTSC):c.758-1G>A

Gene: CTSC (cathepsin C; minus strand). Cytogenetic location: 11q14.2.
Variant type: single nucleotide variant.
Coding change: c.758-1G>A on transcript NM_001814.6 (MANE Select); the canonical splice acceptor site of the intron before coding-DNA position 758, G replaced by A.
Molecular consequence: splice acceptor variant.
Genome position (GRCh38, 1-based): chr11:88,296,265, C>T on the plus strand (G>A on the coding strand, the complement: CTSC is on the minus strand). VCF-style: chr11-88296265-C-T. GRCh37 (hg19) VCF-style: chr11-88029433-C-T.
Identifiers: ClinVar variation 4991743 (VCV004991743.1).
Genomic context (GRCh38, chr11:88,296,265, plus strand): 5'-TACGGATTCTCGCTTCTAGCATACCCATAGAAGCAAATGAGTAGCAGCTGCCACAGGATG[C>T]TGGCGATGAAAAAAAGACACATAATCCAAGAGACATCTGAAGCCTCACAGAGAATCATGC-3'

ClinVar aggregate classification (germline): Likely pathogenic (1 of 4 stars; one submission).

Conditions:
CTSC-related disorder. Also called: CTSC-related disorders; CTSC-related condition. Identifiers: MedGen CN375926, MONDO:0800465.

Submission:

PreventionGenetics, part of Exact Sciences
Classification: Likely pathogenic for CTSC-related condition. Last evaluated: 2026-08-31. Review status: criteria provided, single submitter. Criteria: ACMG Guidelines, 2015. Collection method: clinical testing. Allele origin: germline.
Comment: The CTSC c.758-1G>A variant is predicted to disrupt the AG splice acceptor site and interfere with normal splicing. To our knowledge, this variant has not been reported in the literature or in a large population database (gnomAD), indicating this variant is rare. Variants that disrupt the consensus splice acceptor site in CTSC are expected to be pathogenic. This variant is interpreted as likely pathogenic.